The following is an entry in ClinVar:

ClinVar aggregate classification (germline): Uncertain significance. Review status: criteria provided, multiple submitters, no conflicts (2 of 4 stars). 3 submissions from 3 submitters: Uncertain significance (3). Last evaluated 2025-06-01.

Conditions:
Atrial fibrillation, familial, 7 (ATFB7). Identifiers: MedGen C2677106, MONDO:0012828, OMIM 612240.

Allele frequency attached by ClinVar (database versions not stated): gnomAD exomes below 0.00001 and 0.00001; ExAC 0.00001; gnomAD 0.00002; TOPMed 0.00005.
gnomAD v4.1: 8 of 1,613,506 alleles (0.0005%); highest among the groups gnomAD compares: Admixed American, 0.0067%; no homozygotes.

Submissions (3):

Labcorp Genetics (formerly Invitae), Labcorp
Classification: Uncertain significance for Atrial fibrillation, familial, 7. Last evaluated: 2025-06-01. Review status: criteria provided, single submitter. Criteria: Invitae Variant Classification Sherloc (09022015). Collection method: clinical testing. Allele origin: germline.
Comment: This sequence change replaces isoleucine, which is neutral and non-polar, with phenylalanine, which is neutral and non-polar, at codon 260 of the KCNA5 protein (p.Ile260Phe). This variant is present in population databases (rs755193604, gnomAD 0.006%). This variant has not been reported in the literature in individuals affected with KCNA5-related conditions. ClinVar contains an entry for this variant (Variation ID: 1305998). Invitae Evidence Modeling of protein sequence and biophysical properties (such as structural, functional, and spatial information, amino acid conservation, physicochemical variation, residue mobility, and thermodynamic stability) indicates that this missense variant is expected to disrupt KCNA5 protein function with a positive predictive value of 80%. In summary, the available evidence is currently insufficient to determine the role of this variant in disease. Therefore, it has been classified as a Variant of Uncertain Significance.

GeneDx
Classification: Uncertain significance. Last evaluated: 2019-05-24. Review status: criteria provided, single submitter. Criteria: GeneDx Variant Classification Process June 2021. Collection method: clinical testing. Allele origin: germline. Affected: yes.
Comment: Not observed at a significant frequency in large population cohorts (Lek et al., 2016); In silico analysis, which includes protein predictors and evolutionary conservation, supports a deleterious effect; Has not been previously published as pathogenic or benign to our knowledge

Breakthrough Genomics
Classification: Uncertain significance. Review status: criteria provided, single submitter. Criteria: ACMG Guidelines, 2015. Collection method: not provided. Allele origin: germline. Inheritance: Autosomal dominant inheritance. Affected: yes.

NM_002234.4(KCNA5):c.778A>T (p.Ile260Phe)

Gene: KCNA5 (potassium voltage-gated channel subfamily A member 5; plus strand). Cytogenetic location: 12p13.32.
Variant type: single nucleotide variant.
Coding change: c.778A>T on transcript NM_002234.4 (MANE Select); coding-DNA position 778, A replaced by T.
Protein change: p.Ile260Phe; replaces isoleucine 260 with phenylalanine.
Molecular consequence: missense variant.
Genome position (GRCh38, 1-based): chr12:5,044,925, A>T. VCF-style: chr12-5044925-A-T. GRCh37 (hg19) VCF-style: chr12-5154091-A-T.
Other names: short protein forms I260F.
Identifiers: ClinVar variation 1305998 (VCV001305998.4), dbSNP rs755193604, ClinGen allele CA6399712.